The following is an entry in ClinVar:

NM_000059.4(BRCA2):c.562G>T (p.Val188Leu)

Gene: BRCA2 (BRCA2 DNA repair associated; plus strand). Cytogenetic location: 13q13.1.
Variant type: single nucleotide variant.
Coding change: c.562G>T on transcript NM_000059.4 (MANE Select); coding-DNA position 562, G replaced by T.
Protein change: p.Val188Leu; replaces valine 188 with leucine.
Molecular consequence: missense variant. On other transcripts: non-coding transcript variant (1).
Genome position (GRCh38, 1-based): chr13:32,326,544, G>T. VCF-style: chr13-32326544-G-T. GRCh37 (hg19) VCF-style: chr13-32900681-G-T.
Other names: c.562G>T, p.Val188Leu (NM_001406719.1, NM_001406720.1, NM_001406721.1 and 1 more transcripts); c.193G>T, p.Val65Leu (NM_001406722.1); short protein forms V188L, V65L.
Identifiers: ClinVar variation 4689428 (VCV004689428.2).

ClinVar aggregate classification (germline): Uncertain significance. Review status: criteria provided, multiple submitters, no conflicts (2 of 4 stars). 2 submissions from 2 submitters: Uncertain significance (2). Last evaluated 2026-01-13.

Conditions:
Hereditary breast ovarian cancer syndrome. Also called: Hereditary breast and ovarian cancer syndrome (HBOC); Breast and ovarian cancer; Hereditary breast and ovarian cancer; Hereditary breast and ovarian cancer syndrome; BRCA1- and BRCA2-Associated Hereditary Breast and Ovarian Cancer; Hereditary breast and/or ovarian cancer syndrome. Identifiers: Orphanet 145, MedGen C0677776, MeSH D061325, MONDO:0003582. Disease mechanism: loss of function.

Submissions (2):

Women's Health and Genetics/Laboratory Corporation of America, LabCorp
Classification: Uncertain significance. Last evaluated: 2026-01-13. Review status: criteria provided, single submitter. Criteria: LabCorp Variant Classification Summary - May 2015. Collection method: clinical testing. Allele origin: germline.
Comment: Variant summary: BRCA2 c.562G>T (p.Val188Leu) results in a conservative amino acid change in the encoded protein sequence. Algorithms developed to predict the effect of missense changes on protein structure and function are either unavailable or do not agree on the potential impact of this missense change. The variant was absent in 251416 control chromosomes. The available data on variant occurrences in the general population are insufficient to allow any conclusion about variant significance. To our knowledge, no occurrence of c.562G>T in individuals affected with BRCA2-related conditions and no experimental evidence demonstrating its impact on protein function have been reported. No submitters have cited clinical-significance assessments for this variant to ClinVar. Based on the evidence outlined above, the variant was classified as uncertain significance.

Labcorp Genetics (formerly Invitae), Labcorp
Classification: Uncertain significance for Hereditary breast ovarian cancer syndrome. Last evaluated: 2025-07-05. Review status: criteria provided, single submitter. Criteria: Invitae Variant Classification Sherloc (09022015). Collection method: clinical testing. Allele origin: germline.
Comment: This sequence change replaces valine, which is neutral and non-polar, with leucine, which is neutral and non-polar, at codon 188 of the BRCA2 protein (p.Val188Leu). This variant is not present in population databases (gnomAD no frequency). This variant has not been reported in the literature in individuals affected with BRCA2-related conditions. Invitae Evidence Modeling of protein sequence and biophysical properties (such as structural, functional, and spatial information, amino acid conservation, physicochemical variation, residue mobility, and thermodynamic stability) indicates that this missense variant is not expected to disrupt BRCA2 protein function with a negative predictive value of 95%. In summary, the available evidence is currently insufficient to determine the role of this variant in disease. Therefore, it has been classified as a Variant of Uncertain Significance.